The following is an entry in ClinVar:

ClinVar aggregate classification (germline): Uncertain significance. Review status: criteria provided, multiple submitters, no conflicts (2 of 4 stars). 2 submissions from 2 submitters: Uncertain significance (2). Last evaluated 2023-03-24.

Allele frequency attached by ClinVar (database versions not stated): TOPMed below 0.00001; gnomAD 0.00001; gnomAD exomes 0.00001 and 0.00002; ExAC 0.00002.

Submissions (2):

Blueprint Genetics
Classification: Uncertain significance. Last evaluated: 2023-03-24. Review status: criteria provided, single submitter. Criteria: ACMG Guidelines, 2015. Collection method: clinical testing. Allele origin: germline.

Labcorp Genetics (formerly Invitae), Labcorp
Classification: Uncertain significance. Last evaluated: 2022-01-26. Review status: criteria provided, single submitter. Criteria: Invitae Variant Classification Sherloc (09022015). Collection method: clinical testing. Allele origin: germline.
Comment: In summary, the available evidence is currently insufficient to determine the role of this variant in disease. Therefore, it has been classified as a Variant of Uncertain Significance. Advanced modeling of protein sequence and biophysical properties (such as structural, functional, and spatial information, amino acid conservation, physicochemical variation, residue mobility, and thermodynamic stability) performed at Invitae indicates that this missense variant is expected to disrupt LRP5 protein function. This variant has not been reported in the literature in individuals affected with LRP5-related conditions. This variant is present in population databases (rs778326106, gnomAD 0.02%). This sequence change replaces leucine, which is neutral and non-polar, with proline, which is neutral and non-polar, at codon 934 of the LRP5 protein (p.Leu934Pro).

NM_002335.4(LRP5):c.2801T>C (p.Leu934Pro)

Gene: LRP5 (LDL receptor related protein 5; plus strand). Cytogenetic location: 11q13.2.
Variant type: single nucleotide variant.
Coding change: c.2801T>C on transcript NM_002335.4 (MANE Select); coding-DNA position 2801, T replaced by C.
Protein change: p.Leu934Pro; replaces leucine 934 with proline.
Molecular consequence: missense variant.
Genome position (GRCh38, 1-based): chr11:68,413,986, T>C. VCF-style: chr11-68413986-T-C. GRCh37 (hg19) VCF-style: chr11-68181454-T-C.
Other names: c.1058T>C, p.Leu353Pro (NM_001291902.2); short protein forms L353P, L934P.
Identifiers: ClinVar variation 1520664 (VCV001520664.9), dbSNP rs778326106, ClinGen allele CA6149744.